The following is an entry in ClinVar:

NM_006922.4(SCN3A):c.1582T>G (p.Ser528Ala)

Gene: SCN3A (sodium voltage-gated channel alpha subunit 3; minus strand). Cytogenetic location: 2q24.3.
Variant type: single nucleotide variant.
Coding change: c.1582T>G on transcript NM_006922.4 (MANE Select); coding-DNA position 1582, T replaced by G.
Protein change: p.Ser528Ala; replaces serine 528 with alanine.
Molecular consequence: missense variant.
Genome position (GRCh38, 1-based): chr2:165,146,828, A>C on the plus strand (T>G on the coding strand, the complement: SCN3A is on the minus strand). VCF-style: chr2-165146828-A-C. GRCh37 (hg19) VCF-style: chr2-166003338-A-C.
Other names: c.1582T>G, p.Ser528Ala (NM_001081676.2, NM_001081677.2); short protein forms S528A.
Identifiers: ClinVar variation 950819 (VCV000950819.9), dbSNP rs1429072281, ClinGen allele CA349236435.
Genomic context (GRCh38, chr2:165,146,828, plus strand): 5'-TGGTCAGTCTGTTTCCATCCATGGAGAAAAGGAAGCTGCTTCTTTTGACGCTGTCTTCAG[A>C]TTCGGATTTGGGAAAGCTGTCTCTCTCTCCTTTGTTGTTTCCTTCAAGGTGCTCTCTCTG-3'
Protein context (NP_008853.3, residues 518-538): GERDSFPKSE[Ser528Ala]EDSVKRSSFL

ClinVar aggregate classification (germline): Uncertain significance (1 of 4 stars; one submission).

Submission:

Labcorp Genetics (formerly Invitae), Labcorp
Classification: Uncertain significance. Last evaluated: 2022-11-29. Review status: criteria provided, single submitter. Criteria: Invitae Variant Classification Sherloc (09022015). Collection method: clinical testing. Allele origin: germline.
Comment: This variant has not been reported in the literature in individuals affected with SCN3A-related conditions. In summary, the available evidence is currently insufficient to determine the role of this variant in disease. Therefore, it has been classified as a Variant of Uncertain Significance. Advanced modeling of protein sequence and biophysical properties (such as structural, functional, and spatial information, amino acid conservation, physicochemical variation, residue mobility, and thermodynamic stability) performed at Invitae indicates that this missense variant is not expected to disrupt SCN3A protein function. ClinVar contains an entry for this variant (Variation ID: 950819). This variant is not present in population databases (gnomAD no frequency). This sequence change replaces serine, which is neutral and polar, with alanine, which is neutral and non-polar, at codon 528 of the SCN3A protein (p.Ser528Ala).